The following is an entry in ClinVar:

NM_000222.3(KIT):c.17G>A (p.Gly6Asp)

Gene: KIT (KIT proto-oncogene, receptor tyrosine kinase; plus strand). Cytogenetic location: 4q12.
Variant type: single nucleotide variant.
Coding change: c.17G>A on transcript NM_000222.3 (MANE Select); coding-DNA position 17, G replaced by A.
Protein change: p.Gly6Asp; replaces glycine 6 with aspartic acid.
Molecular consequence: missense variant.
Genome position (GRCh38, 1-based): chr4:54,658,031, G>A. VCF-style: chr4-54658031-G-A. GRCh37 (hg19) VCF-style: chr4-55524198-G-A.
Other names: c.17G>A, p.Gly6Asp (NM_001093772.2, NM_001385284.1, NM_001385285.1 and 4 more transcripts); short protein forms G6D.
Identifiers: ClinVar variation 860685 (VCV000860685.10), dbSNP rs1716939970, ClinGen allele CA356897871.
Genomic context (GRCh38, chr4:54,658,031, plus strand): 5'-GCTGGAACGTGGACCAGAGCTCGGATCCCATCGCAGCTACCGCGATGAGAGGCGCTCGCG[G>A]CGCCTGGGATTTTCTCTGCGTTCTGCTCCTACTGCTTCGCGTCCAGACAGGTGGGACACC-3'
Protein context (NP_000213.1, residues 1-16): MRGAR[Gly6Asp]AWDFLCVLLL

ClinVar aggregate classification (germline): Uncertain significance (1 of 4 stars; one submission).

Conditions:
Gastrointestinal stromal tumor. Also called: Gastrointestinal stromal tumor, somatic; Gastrointestinal stroma tumor. Identifiers: Orphanet 44890, MedGen C0238198, MeSH D046152, MONDO:0011719, OMIM 606764, HP:0100723.

Submission:

Labcorp Genetics (formerly Invitae), Labcorp
Classification: Uncertain significance for Gastrointestinal stromal tumor. Last evaluated: 2022-01-23. Review status: criteria provided, single submitter. Criteria: Invitae Variant Classification Sherloc (09022015). Collection method: clinical testing. Allele origin: germline.
Comment: In summary, the available evidence is currently insufficient to determine the role of this variant in disease. Therefore, it has been classified as a Variant of Uncertain Significance. Algorithms developed to predict the effect of missense changes on protein structure and function (SIFT, PolyPhen-2, Align-GVGD) all suggest that this variant is likely to be tolerated. ClinVar contains an entry for this variant (Variation ID: 860685). This variant has not been reported in the literature in individuals affected with KIT-related conditions. This variant is not present in population databases (gnomAD no frequency). This sequence change replaces glycine, which is neutral and non-polar, with aspartic acid, which is acidic and polar, at codon 6 of the KIT protein (p.Gly6Asp).